The following is an entry in ClinVar:

NM_006514.4(SCN10A):c.1092+6G>A

Gene: SCN10A (sodium voltage-gated channel alpha subunit 10; minus strand). Cytogenetic location: 3p22.2.
Variant type: single nucleotide variant.
Coding change: c.1092+6G>A on transcript NM_006514.4 (MANE Select); 6 bases into the intron after coding-DNA position 1092, G replaced by A.
Molecular consequence: intron variant.
Genome position (GRCh38, 1-based): chr3:38,757,012, C>T on the plus strand (G>A on the coding strand, the complement: SCN10A is on the minus strand). VCF-style: chr3-38757012-C-T. GRCh37 (hg19) VCF-style: chr3-38798503-C-T.
Other names: c.1092+6G>A (NM_001293307.2, NM_001293306.2).
Identifiers: ClinVar variation 1920428 (VCV001920428.5), dbSNP rs969702527, ClinGen allele CA72991526.

ClinVar aggregate classification (germline): Uncertain significance (1 of 4 stars; one submission).

Conditions:
Brugada syndrome. Also called: Sudden unexpected nocturnal death syndrome; Sudden Unexplained Death Syndrome; Sudden Unexplained Nocturnal Death Syndrome (SUNDS); Sudden unexplained nocturnal death syndrome. Identifiers: Orphanet 130, MedGen C1142166, MONDO:0015263.

Allele frequency attached by ClinVar (database versions not stated): gnomAD 0.00001; TOPMed 0.00001.
gnomAD v4.1: 3 of 1,607,902 alleles (0.00019%); highest among the groups gnomAD compares: African/African-American, 0.0027%; no homozygotes.

Submission:

Labcorp Genetics (formerly Invitae), Labcorp
Classification: Uncertain significance for Brugada syndrome. Last evaluated: 2022-02-18. Review status: criteria provided, single submitter. Criteria: Invitae Variant Classification Sherloc (09022015). Collection method: clinical testing. Allele origin: germline.
Comment: In summary, the available evidence is currently insufficient to determine the role of this variant in disease. Therefore, it has been classified as a Variant of Uncertain Significance. Variants that disrupt the consensus splice site are a relatively common cause of aberrant splicing (PMID: 17576681, 9536098). Algorithms developed to predict the effect of sequence changes on RNA splicing suggest that this variant is not likely to affect RNA splicing. This sequence change falls in intron 8 of the SCN10A gene. It does not directly change the encoded amino acid sequence of the SCN10A protein. It affects a nucleotide within the consensus splice site. This variant is present in population databases (no rsID available, gnomAD 0.01%). This variant has not been reported in the literature in individuals affected with SCN10A-related conditions.

Literature cited by the submitters: PubMed 17576681; PubMed 9536098.